The following is an entry in ClinVar:

ClinVar aggregate classification (germline): Conflicting classifications of pathogenicity. Review status: criteria provided, conflicting classifications (1 of 4 stars). 7 submissions from 7 submitters: Uncertain significance (5); Likely benign (1). 1 of the submissions does not count toward it. Last evaluated 2025-11-26.

Conditions:
Nemaline myopathy 2 (NEM2). Also called: Nemaline myopathy 2, autosomal recessive. Identifiers: MedGen C1850569, MONDO:0009725, OMIM 256030.
Inborn genetic diseases. Identifiers: MedGen C0950123, MeSH D030342.

Allele frequency attached by ClinVar (database versions not stated): gnomAD exomes 0.00001 and 0.00002; ExAC 0.00002; TOPMed 0.00002; gnomAD 0.00003 and 0.00004.
gnomAD v4.1: 21 of 1,613,440 alleles (0.0013%); highest among the groups gnomAD compares: Middle Eastern, 0.066%; no homozygotes.

Submissions (7):

Victorian Clinical Genetics Services, Murdoch Childrens Research Institute
Classification: Uncertain significance for Nemaline myopathy 2. Last evaluated: 2025-11-26. Review status: criteria provided, single submitter. Criteria: ACMG Guidelines, 2015. Collection method: clinical testing. Allele origin: germline. Affected: yes.
Comment: This variant is classified as VUS-3B. Evidence in support of pathogenic classification: Variant is present in gnomAD <0.01 for a recessive condition (v4: 21 heterozygote(s), 0 homozygote(s)). Evidence in support of benign classification: Missense variant predicted to be tolerated by in silico tool(s) or not conserved in placental mammals with a minor amino acid change. Additional information: Variant is predicted to result in a missense amino acid change from Glu to Lys; This variant is heterozygous; This gene is associated with autosomal recessive disease; Previous evidence of pathogenicity for this variant is inconclusive. This variant has been classified multiple times as VUS and once as likely benign by clinical laboratories in ClinVar; No published evidence of segregation with disease has been identified for this variant; No published functional evidence has been identified for this variant; No comparable missense variants have previous evidence for pathogenicity; Variant is located in the annotated nebulin repeat domain (DECIPHER); Loss of function is a known mechanism of disease in this gene and is associated with arthrogryposis multiplex congenita 6 (MIM#619334) and nemaline myopathy 2 (MIM#256030); Inheritance information for this variant is not currently available in this individual.

Labcorp Genetics (formerly Invitae), Labcorp
Classification: Likely benign for Nemaline myopathy 2. Last evaluated: 2025-02-18. Review status: criteria provided, single submitter. Criteria: Invitae Variant Classification Sherloc (09022015). Collection method: clinical testing. Allele origin: germline.

CeGaT Center for Human Genetics Tuebingen
Classification: Uncertain significance. Last evaluated: 2024-03-01. Review status: criteria provided, single submitter. Criteria: CeGaT Center For Human Genetics Tuebingen Variant Classification Criteria Version 2. Collection method: clinical testing. Allele origin: germline. Affected: yes. Observed: 1 variant allele.
Comment: NEB: PM2

Revvity Omics, Revvity
Classification: Uncertain significance. Last evaluated: 2022-09-19. Review status: criteria provided, single submitter. Criteria: ACMG Guidelines, 2015. Collection method: clinical testing. Allele origin: germline.

GeneDx
Classification: Uncertain significance. Last evaluated: 2022-02-07. Review status: criteria provided, single submitter. Criteria: GeneDx Variant Classification Process June 2021. Collection method: clinical testing. Allele origin: germline. Affected: yes.
Comment: Not observed at a significant frequency in large population cohorts (gnomAD); In silico analysis, which includes protein predictors and evolutionary conservation, supports that this variant does not alter protein structure/function; Has not been previously published as pathogenic or benign to our knowledge; This variant is associated with the following publications: (PMID: 27933661, 25205138)

Ambry Genetics
Classification: Uncertain significance for Inborn genetic diseases. Last evaluated: 2017-10-25. Review status: criteria provided, single submitter. Criteria: Ambry exome assertion method (8-5-2015). Collection method: clinical testing. Allele origin: germline. Affected: yes. Observed: 1 variant allele.

Natera, Inc.
Classification: Uncertain significance for Nemaline myopathy type 2. Last evaluated: 2019-11-11. Review status: no assertion criteria provided. Collection method: clinical testing. Allele origin: germline. Not counted in ClinVar's aggregate classification.

NM_001164508.2(NEB):c.20260G>A (p.Glu6754Lys)

Gene: NEB (nebulin; minus strand). Cytogenetic location: 2q23.3.
Variant type: single nucleotide variant.
Coding change: c.20260G>A on transcript NM_001164508.2 (MANE Select); coding-DNA position 20260, G replaced by A.
Protein change: p.Glu6754Lys; replaces glutamic acid 6754 with lysine.
Molecular consequence: missense variant.
Genome position (GRCh38, 1-based): chr2:151,547,636, C>T on the plus strand (G>A on the coding strand, the complement: NEB is on the minus strand). VCF-style: chr2-151547636-C-T. GRCh37 (hg19) VCF-style: chr2-152404150-C-T.
Other names: c.20260G>A, p.Glu6754Lys (NM_001164507.2, NM_001271208.2); c.15157G>A, p.Glu5053Lys (NM_004543.5); short protein forms E5053K, E6754K.
Identifiers: ClinVar variation 522158 (VCV000522158.37), dbSNP rs776334631, ClinGen allele CA1907378.